The following is an entry in ClinVar:

NM_000382.3(ALDH3A2):c.28C>T (p.Gln10Ter)

Gene: ALDH3A2 (aldehyde dehydrogenase 3 family member A2; plus strand). Cytogenetic location: 17p11.2.
Variant type: single nucleotide variant.
Coding change: c.28C>T on transcript NM_000382.3 (MANE Select); coding-DNA position 28, C replaced by T.
Protein change: p.Gln10Ter; replaces glutamine 10 with a stop codon.
Molecular consequence: nonsense. On other transcripts: 5 prime UTR variant (1).
Genome position (GRCh38, 1-based): chr17:19,648,999, C>T. VCF-style: chr17-19648999-C-T. GRCh37 (hg19) VCF-style: chr17-19552312-C-T.
Other names: c.28C>T, p.Gln10Ter (NM_001031806.2, NM_001369136.1, NM_001369137.2 and 3 more transcripts); c.-661C>T (NM_001369148.2); short protein forms Q10*.
Identifiers: ClinVar variation 188833 (VCV000188833.19), dbSNP rs72547554, ClinGen allele CA199076.

ClinVar aggregate classification (germline): Pathogenic/Likely pathogenic. Review status: criteria provided, multiple submitters, no conflicts (2 of 4 stars). 3 submissions from 3 submitters: Pathogenic (1); Likely pathogenic (1). 1 of the submissions does not count toward it. Last evaluated 2025-08-04.

Conditions:
Sjögren-Larsson syndrome (SLS). Also called: FALDH DEFICIENCY; FATTY ALCOHOL:NAD+ OXIDOREDUCTASE DEFICIENCY; FATTY ALDEHYDE DEHYDROGENASE DEFICIENCY; ICHTHYOSIS, SPASTIC NEUROLOGIC DISORDER, AND OLIGOPHRENIA. Identifiers: Orphanet 816, MedGen C0037231, MONDO:0010031, OMIM 270200.

Allele frequency attached by ClinVar (database versions not stated): TOPMed 0.00001.
gnomAD v4.1: 6 of 1,585,802 alleles (0.00038%); highest among the groups gnomAD compares: Non-Finnish European, 0.00051%; no homozygotes.

Submissions (3):

Natera, Inc.
Classification: Likely pathogenic for Sjögren-Larsson syndrome. Last evaluated: 2025-08-04. Review status: criteria provided, single submitter. Criteria: Natera Variant Classification Schema (03/2026). Collection method: clinical testing. Allele origin: germline.
Comment: The c.28C>T variant in ALDH3A2 is a nonsense variant predicted to introduce a stop codon at amino acid 10. This variant is expected to result in nonsense mediated decay, truncation, or a dysfunctional protein product. This variant is rare in the general population with a frequency below the threshold expected for the associated phenotype(s). Given the available evidence, this variant is classified as Likely Pathogenic.

Labcorp Genetics (formerly Invitae), Labcorp
Classification: Pathogenic. Last evaluated: 2024-02-24. Review status: criteria provided, single submitter. Criteria: Invitae Variant Classification Sherloc (09022015). Collection method: clinical testing. Allele origin: germline.
Comment: This sequence change creates a premature translational stop signal (p.Gln10*) in the ALDH3A2 gene. It is expected to result in an absent or disrupted protein product. Loss-of-function variants in ALDH3A2 are known to be pathogenic (PMID: 10577908, 10854114). The frequency data for this variant in the population databases is considered unreliable, as metrics indicate poor data quality at this position in the gnomAD database. This premature translational stop signal has been observed in individual(s) with Sjogren-Larsson syndrome (PMID: 10577908, 21968182). ClinVar contains an entry for this variant (Variation ID: 188833). For these reasons, this variant has been classified as Pathogenic.

Counsyl
Classification: Likely pathogenic for Sjögren-Larsson syndrome. Last evaluated: 2014-06-17. Review status: no assertion criteria provided. Collection method: literature only. Allele origin: unknown. Inheritance: Autosomal recessive inheritance. Not counted in ClinVar's aggregate classification.

Literature cited by the submitters: PubMed 10577908 (cited by Labcorp Genetics (formerly Invitae), Labcorp and Counsyl); PubMed 10854114 (cited by Labcorp Genetics (formerly Invitae), Labcorp); PubMed 21968182 (cited by Labcorp Genetics (formerly Invitae), Labcorp and Counsyl).